The following is an entry in ClinVar:

NM_004174.4(SLC9A3):c.2190G>A (p.Met730Ile)

Genes: SLC9A3 (solute carrier family 9 member A3), SLC9A3-AS1 (SLC9A3 antisense RNA 1; plus strand). Cytogenetic location: 5p15.33.
Variant type: single nucleotide variant.
Coding change: c.2190G>A on transcript NM_004174.4 (MANE Select); coding-DNA position 2190, G replaced by A.
Protein change: p.Met730Ile; replaces methionine 730 with isoleucine.
Molecular consequence: missense variant.
Genome position (GRCh38, 1-based): chr5:475,622, C>T on the plus strand (G>A on the coding strand, the complement: SLC9A3 is on the minus strand). VCF-style: chr5-475622-C-T. GRCh37 (hg19) VCF-style: chr5-475737-C-T.
Other names: c.2163G>A, p.Met721Ile (NM_001284351.3); short protein forms M721I, M730I.
Identifiers: ClinVar variation 1386987 (VCV001386987.6), dbSNP rs2126603749, ClinGen allele CA359024035.

ClinVar aggregate classification (germline): Uncertain significance (1 of 4 stars; one submission).

Allele frequency attached by ClinVar (database versions not stated): gnomAD exomes below 0.00001.
gnomAD v4.1: 2 of 1,552,488 alleles (0.00013%); highest among the groups gnomAD compares: Non-Finnish European, 0.00017%; no homozygotes.

Submission:

Labcorp Genetics (formerly Invitae), Labcorp
Classification: Uncertain significance. Last evaluated: 2022-01-11. Review status: criteria provided, single submitter. Criteria: Invitae Variant Classification Sherloc (09022015). Collection method: clinical testing. Allele origin: germline.
Comment: In summary, the available evidence is currently insufficient to determine the role of this variant in disease. Therefore, it has been classified as a Variant of Uncertain Significance. Algorithms developed to predict the effect of missense changes on protein structure and function output the following: SIFT: "Not Available"; PolyPhen-2: "Benign"; Align-GVGD: "Not Available". The isoleucine amino acid residue is found in multiple mammalian species, which suggests that this missense change does not adversely affect protein function. This variant has not been reported in the literature in individuals affected with SLC9A3-related conditions. This variant is not present in population databases (gnomAD no frequency). This sequence change replaces methionine with isoleucine at codon 730 of the SLC9A3 protein (p.Met730Ile). The methionine residue is weakly conserved and there is a small physicochemical difference between methionine and isoleucine.